The following is an entry in ClinVar:

NM_032043.3(BRIP1):c.1340+9A>T

Gene: BRIP1 (BRCA1 interacting DNA helicase 1; minus strand). Cytogenetic location: 17q23.2.
Variant type: single nucleotide variant.
Coding change: c.1340+9A>T on transcript NM_032043.3 (MANE Select); 9 bases into the intron after coding-DNA position 1340, A replaced by T.
Molecular consequence: intron variant.
Genome position (GRCh38, 1-based): chr17:61,799,091, T>A on the plus strand (A>T on the coding strand, the complement: BRIP1 is on the minus strand). VCF-style: chr17-61799091-T-A. GRCh37 (hg19) VCF-style: chr17-59876452-T-A.
Identifiers: ClinVar variation 530355 (VCV000530355.12), dbSNP rs376487588, ClinGen allele CA8690761.

ClinVar aggregate classification (germline): Conflicting classifications of pathogenicity. Review status: criteria provided, conflicting classifications (1 of 4 stars). 3 submissions from 3 submitters: Uncertain significance (1); Likely benign (2). Last evaluated 2024-08-27.

Conditions:
Familial cancer of breast. Also called: BREAST CANCER, FAMILIAL; hereditary breast carcinoma; Hereditary breast cancer. Identifiers: Orphanet 227535, MedGen C0346153, MONDO:0016419, OMIM 114480. Disease mechanism: loss of function.
Fanconi anemia complementation group J. Also called: BRIP1-Related Fanconi Anemia. Identifiers: Orphanet 84, MedGen C1836860, MONDO:0012187, OMIM 609054.

gnomAD v4.1: 2 of 1,607,388 alleles (0.00012%); highest among the groups gnomAD compares: Non-Finnish European, 0.00017%; no homozygotes.

Submissions (3):

Myriad Genetics, Inc.
Classification: Likely benign for Familial cancer of breast. Last evaluated: 2024-08-27. Review status: criteria provided, single submitter. Criteria: Myriad Autosomal Dominant, Autosomal Recessive and X-Linked Classification Criteria (2023). Collection method: clinical testing. Allele origin: unknown.
Comment: This variant is considered likely benign. This variant is intronic and is not expected to impact mRNA splicing.

Labcorp Genetics (formerly Invitae), Labcorp
Classification: Likely benign for Familial cancer of breast; Fanconi anemia complementation group J. Last evaluated: 2023-03-22. Review status: criteria provided, single submitter. Criteria: Invitae Variant Classification Sherloc (09022015). Collection method: clinical testing. Allele origin: germline.

Quest Diagnostics Nichols Institute San Juan Capistrano
Classification: Uncertain significance. Last evaluated: 2018-05-18. Review status: criteria provided, single submitter. Criteria: Quest Diagnostics criteria. Collection method: clinical testing. Allele origin: germline.